The following is an entry in ClinVar:

NM_015057.5(MYCBP2):c.-27GCG[10]

Genes: MYCBP2 (MYC binding protein 2; minus strand), LOC130009921 (ATAC-STARR-seq lymphoblastoid silent region 5419; plus strand). Cytogenetic location: 13q22.3.
Variant type: Microsatellite.
Coding change: c.-27GCG[10] on transcript NM_015057.5 (MANE Select); ten copies in a row of the 3-base unit GCG starting at c.-27; the reference has eight copies in a row; two copies, 6 bases duplicated.
Molecular consequence: 5 prime UTR variant.
Genome position (GRCh38, 1-based): chr13:77,326,779-77,326,784, CGCCGC duplicated on the plus strand (GCGGCG on the coding strand, the reverse complement: MYCBP2 is on the minus strand); duplicating any 6 consecutive bases within chr13:77,326,779-77,326,803 gives the same sequence; the position shown is the placement nearest the transcript's 3' end. VCF-style (leftmost placement, unchanged base first): chr13-77326778-T-TCGCCGC. GRCh37 (hg19) VCF-style: chr13-77900913-T-TCGCCGC.
Other names: c.-9_-4dup6 (NM_015057.4).
Identifiers: ClinVar variation 3025325 (VCV003025325.23), dbSNP rs754197897, ClinGen allele CA7010786.

ClinVar aggregate classification (germline): Benign. Review status: criteria provided, single submitter (1 of 4 stars). 2 submissions from 2 submitters: Benign (1). 1 of the submissions does not count toward it. Last evaluated 2024-05-01.

Conditions:
MYCBP2-related disorder. Also called: MYCBP2-related condition.

Submissions (2):

CeGaT Center for Human Genetics Tuebingen
Classification: Benign. Last evaluated: 2024-05-01. Review status: criteria provided, single submitter. Criteria: CeGaT Center For Human Genetics Tuebingen Variant Classification Criteria Version 2. Collection method: clinical testing. Allele origin: germline. Affected: yes. Observed: 2 variant alleles.
Comment: MYCBP2: BP4, BS1, BS2

PreventionGenetics, part of Exact Sciences
Classification: Likely benign for MYCBP2-related condition. Last evaluated: 2019-06-24. Review status: no assertion criteria provided. Collection method: clinical testing. Allele origin: germline. Not counted in ClinVar's aggregate classification.
Comment: This variant is classified as likely benign based on ACMG/AMP sequence variant interpretation guidelines (Richards et al. 2015 PMID: 25741868, with internal and published modifications).